The following is an entry in ClinVar:

NM_001039958.2(MESP2):c.84G>A (p.Trp28Ter)

Gene: MESP2 (mesoderm posterior bHLH transcription factor 2; plus strand). Cytogenetic location: 15q26.1.
Variant type: single nucleotide variant.
Coding change: c.84G>A on transcript NM_001039958.2 (MANE Select); coding-DNA position 84, G replaced by A.
Protein change: p.Trp28Ter; replaces tryptophan 28 with a stop codon.
Molecular consequence: nonsense.
Genome position (GRCh38, 1-based): chr15:89,776,441, G>A. VCF-style: chr15-89776441-G-A. GRCh37 (hg19) VCF-style: chr15-90319672-G-A.
Other names: short protein forms W28*.
Identifiers: ClinVar variation 1069665 (VCV001069665.7), dbSNP rs1264059615, ClinGen allele CA393768969.

ClinVar aggregate classification (germline): Pathogenic (1 of 4 stars; one submission).

Allele frequency attached by ClinVar (database versions not stated): TOPMed 0.00001.

Submission:

Labcorp Genetics (formerly Invitae), Labcorp
Classification: Pathogenic. Last evaluated: 2020-09-19. Review status: criteria provided, single submitter. Criteria: Invitae Variant Classification Sherloc (09022015). Collection method: clinical testing. Allele origin: germline.
Comment: For these reasons, this variant has been classified as Pathogenic. Loss-of-function variants in MESP2 are known to be pathogenic (PMID: 9242490, 18485326). This variant has not been reported in the literature in individuals with MESP2-related conditions. The frequency data for this variant in the population databases is considered unreliable, as metrics indicate insufficient coverage at this position in the ExAC database. This sequence change creates a premature translational stop signal (p.Trp28*) in the MESP2 gene. It is expected to result in an absent or disrupted protein product.

Literature cited by the submitters: PubMed 9242490; PubMed 18485326.